The following is an entry in ClinVar:

ClinVar aggregate classification (germline): Pathogenic/Likely pathogenic. Review status: criteria provided, multiple submitters, no conflicts (2 of 4 stars). 3 submissions from 3 submitters: Pathogenic (1); Likely pathogenic (2). Last evaluated 2025-06-02.

Conditions:
Sialic acid storage disease, severe infantile type (ISSD). Also called: INFANTILE SIALIC ACID STORAGE DISORDER; N-ACETYLNEURAMINIC ACID STORAGE DISEASE; NANA STORAGE DISEASE; SIALURIA, INFANTILE FORM; Infantile Sialic Acid Storage Disease; Free sialic acid storage disease, infantile form. Identifiers: Orphanet 309324, Orphanet 834, MedGen C1096902, MONDO:0010027, OMIM 269920.
Salla disease (SD). Also called: Sialuria, Finnish type; N-acetylneuraminic acid (NANA) storage disease (NSD); Infantile sialic acid storage disorder (ISSD); Less Severe FSASD (Salla Disease). Identifiers: Orphanet 309334, Orphanet 834, MedGen C1096903, MONDO:0011449, OMIM 604369.

Allele frequency attached by ClinVar (database versions not stated): gnomAD exomes below 0.00001; TOPMed below 0.00001.

Submissions (3):

Natera, Inc.
Classification: Likely pathogenic for Salla disease. Last evaluated: 2025-06-02. Review status: criteria provided, single submitter. Criteria: Natera Variant Classification Schema (03/2026). Collection method: clinical testing. Allele origin: germline.
Comment: The c.1delA variant in SLC17A5 is predicted to result in start loss due to disruption of the initiator methionine. This variant is expected to result in nonsense mediated decay, truncation, or a dysfunctional protein product. This variant is rare in the general population with a frequency below the threshold expected for the associated phenotype(s). Given the available evidence, this variant is classified as Likely Pathogenic.

Labcorp Genetics (formerly Invitae), Labcorp
Classification: Pathogenic for Salla disease. Last evaluated: 2024-10-16. Review status: criteria provided, single submitter. Criteria: Invitae Variant Classification Sherloc (09022015). Collection method: clinical testing. Allele origin: germline.
Comment: This sequence change affects the initiator methionine of the SLC17A5 mRNA. The next in-frame methionine is located at codon 67. This variant is not present in population databases (gnomAD no frequency). This variant has not been reported in the literature in individuals affected with SLC17A5-related conditions. This variant disrupts a region of the SLC17A5 protein in which other variant(s) (p.Arg39Cys ) have been determined to be pathogenic (PMID: 10581036, 10947946, 12359136, 12794688). This suggests that this is a clinically significant region of the protein, and that variants that disrupt it are likely to be disease-causing. For these reasons, this variant has been classified as Pathogenic.

Fulgent Genetics
Classification: Likely pathogenic for Sialic acid storage disease, severe infantile type; Salla disease. Last evaluated: 2024-05-31. Review status: criteria provided, single submitter. Criteria: ACMG Guidelines, 2015. Collection method: clinical testing. Allele origin: germline.

Literature cited by the submitters: PubMed 10581036 (cited by Labcorp Genetics (formerly Invitae), Labcorp); PubMed 10947946 (cited by Labcorp Genetics (formerly Invitae), Labcorp); PubMed 12359136 (cited by Labcorp Genetics (formerly Invitae), Labcorp); PubMed 12794688 (cited by Labcorp Genetics (formerly Invitae), Labcorp).

NM_012434.5(SLC17A5):c.1del (p.Met1*)

Genes: SLC17A5 (solute carrier family 17 member 5; minus strand), LOC129996727 (ATAC-STARR-seq lymphoblastoid silent region 17338; plus strand). Cytogenetic location: 6q13.
Variant type: Deletion.
Coding change: c.1del on transcript NM_012434.5 (MANE Select); coding-DNA position 1, one base deleted (A; older notation c.1delA).
Protein change: p.Met1*; replaces methionine 1 with a stop codon.
Molecular consequence: nonsense, initiator codon variant. On other transcripts: 5 prime UTR variant (2).
Genome position (GRCh38, 1-based): chr6:73,653,886, T deleted on the plus strand (A on the coding strand, the reverse complement: SLC17A5 is on the minus strand). VCF-style (leftmost placement, unchanged base first): chr6-73653885-AT-A. GRCh37 (hg19) VCF-style: chr6-74363608-AT-A.
Other names: c.1delA (NM_012434.4); c.-34del (NM_001382629.1, NM_001382636.1); c.1del, p.Met1* (NM_001382630.1, NM_001382631.1, NM_001382632.1 and 3 more transcripts).
Identifiers: ClinVar variation 2891846 (VCV002891846.5), dbSNP rs2150128117, ClinGen allele CA2679405596.